The following is an entry in ClinVar:

ClinVar aggregate classification (germline): Likely benign (1 of 4 stars; one submission).

Conditions:
Autosomal dominant nonsyndromic hearing loss 1. Also called: DEAFNESS, AUTOSOMAL DOMINANT 1, WITH OR WITHOUT THROMBOCYTOPENIA; KONIGSMARK SYNDROME. Identifiers: Orphanet 90635, MedGen C1852282, MONDO:0007424, OMIM 124900.

Allele frequency attached by ClinVar (database versions not stated): gnomAD 0.00001 and 0.00006; TOPMed 0.00005; gnomAD exomes 0.00013; 1000 Genomes Project 0.00040; 1000 Genomes Project 30x 0.00047.
gnomAD v4.1: 39 of 400,562 alleles (0.0097%); highest among the groups gnomAD compares: East Asian, 0.21%; no homozygotes.

Submission:

Illumina Laboratory Services, Illumina
Classification: Likely benign for Autosomal dominant nonsyndromic hearing loss 1. Last evaluated: 2018-01-13. Review status: criteria provided, single submitter. Criteria: ICSL Variant Classification Criteria 13 December 2019. Collection method: clinical testing. Allele origin: germline.
Comment: This variant was observed in the ICSL laboratory as part of a predisposition screen in an ostensibly healthy population. It had not been previously curated by ICSL or reported in the Human Gene Mutation Database (HGMD: prior to June 1st, 2018), and was therefore a candidate for classification through an automated scoring system. Utilizing variant allele frequency, disease prevalence and penetrance estimates, and inheritance mode, an automated score was calculated to assess if this variant is too frequent to cause the disease. Based on the score and internal cut-off values, a variant classified as likely benign is not then subjected to further curation. The score for this variant resulted in a classification of likely benign for this disease.

NM_005219.5(DIAPH1):c.*325G>C

Gene: DIAPH1 (diaphanous related formin 1; minus strand). Cytogenetic location: 5q31.3.
Variant type: single nucleotide variant.
Coding change: c.*325G>C on transcript NM_005219.5 (MANE Select); 325 bases downstream of the stop codon, G replaced by C.
Molecular consequence: 3 prime UTR variant.
Genome position (GRCh38, 1-based): chr5:141,516,526, C>G on the plus strand (G>C on the coding strand, the complement: DIAPH1 is on the minus strand). VCF-style: chr5-141516526-C-G. GRCh37 (hg19) VCF-style: chr5-140896093-C-G.
Other names: c.*325G>C (NM_001079812.3); c.*444G>C (NM_001314007.2).
Identifiers: ClinVar variation 907314 (VCV000907314.4), dbSNP rs558843739, ClinGen allele CA128420413.
Genomic context (GRCh38, chr5:141,516,526, plus strand): 5'-CCAGCAAGACTGACCTAGGGGGGAAAGCCCATTAGAAAGTCAGGGCTGAGAAAAAGCAGG[C>G]TGGGCCTTGTCTGAGATGAGGCCCTCTGAGTAACAGAGAGGAGACAGGGTTAAGGCAGCA-3'